The following is an entry in ClinVar:

ClinVar aggregate classification (germline): Pathogenic. Review status: criteria provided, multiple submitters, no conflicts (2 of 4 stars). 2 submissions from 2 submitters: Pathogenic (2). Last evaluated 2024-09-18.

Allele frequency attached by ClinVar (database versions not stated): gnomAD exomes below 0.00001; TOPMed below 0.00001.

Submissions (2):

Labcorp Genetics (formerly Invitae), Labcorp
Classification: Pathogenic. Last evaluated: 2024-09-18. Review status: criteria provided, single submitter. Criteria: Invitae Variant Classification Sherloc (09022015). Collection method: clinical testing. Allele origin: germline.
Comment: This sequence change creates a premature translational stop signal (p.Ala3113Glnfs*7) in the ASPM gene. It is expected to result in an absent or disrupted protein product. Loss-of-function variants in ASPM are known to be pathogenic (PMID: 19028728, 23611254). This variant is present in population databases (no rsID available, gnomAD 0.003%). This variant has not been reported in the literature in individuals affected with ASPM-related conditions. ClinVar contains an entry for this variant (Variation ID: 234261). Algorithms developed to predict the effect of sequence changes on RNA splicing suggest that this variant may disrupt the consensus splice site. For these reasons, this variant has been classified as Pathogenic.

GeneDx
Classification: Pathogenic. Last evaluated: 2016-05-24. Review status: criteria provided, single submitter. Criteria: GeneDx Variant Classification (06012015). Collection method: clinical testing. Allele origin: germline. Affected: yes.
Comment: The c.9337delG pathogenic variant in the ASPM gene causes a frameshift starting with codon Alanine 3113, changes this amino acid to a Glutamine residue and creates a premature Stop codon at position 7 of the new reading frame, denoted p.Ala3113GlnfsX7. This pathogenic variant is predicted to cause loss of normal protein function either through protein truncation or nonsense-mediated mRNA decay. Although this variant has not been previously reported to our knowledge, it is considered to be a pathogenic variant.

Literature cited by the submitters: PubMed 19028728 (cited by Labcorp Genetics (formerly Invitae), Labcorp); PubMed 23611254 (cited by Labcorp Genetics (formerly Invitae), Labcorp).

NM_018136.5(ASPM):c.9337del (p.Ala3113fs)

Gene: ASPM (assembly factor for spindle microtubules; minus strand). Cytogenetic location: 1q31.3.
Variant type: Deletion.
Coding change: c.9337del on transcript NM_018136.5 (MANE Select); coding-DNA position 9337, one base deleted (G; older notation c.9337delG).
Protein change: p.Ala3113fs; shifts the reading frame from alanine 3113.
Molecular consequence: frameshift variant.
Genome position (GRCh38, 1-based): chr1:197,092,014, C deleted on the plus strand (G on the coding strand, the reverse complement: ASPM is on the minus strand). VCF-style (leftmost placement, unchanged base first): chr1-197092013-GC-G. GRCh37 (hg19) VCF-style: chr1-197061143-GC-G.
Other names: c.4582del, p.Ala1528fs (NM_001206846.2); short protein forms A1528fs, A3113fs.
Identifiers: ClinVar variation 234261 (VCV000234261.4), dbSNP rs876660961, ClinGen allele CA10577219.